The following is an entry in ClinVar:

NM_000093.5(COL5A1):c.2646+144T>C

Gene: COL5A1 (collagen type V alpha 1 chain; plus strand). Cytogenetic location: 9q34.3.
Variant type: single nucleotide variant.
Coding change: c.2646+144T>C on transcript NM_000093.5 (MANE Select); 144 bases into the intron after coding-DNA position 2646, T replaced by C.
Molecular consequence: intron variant.
Genome position (GRCh38, 1-based): chr9:134,786,192, T>C. VCF-style: chr9-134786192-T-C. GRCh37 (hg19) VCF-style: chr9-137678038-T-C.
Other names: c.2646+144T>C (NM_001278074.1).
Identifiers: ClinVar variation 672247 (VCV000672247.1), dbSNP rs3124934, ClinGen allele CA13137935.

ClinVar aggregate classification (germline): Benign (1 of 4 stars; one submission).

Allele frequency attached by ClinVar (database versions not stated): gnomAD exomes 0.95992; gnomAD 0.96592 and 0.96679; TOPMed 0.96816; 1000 Genomes Project 30x 0.98517; 1000 Genomes Project 0.98622.
gnomAD v4.1: 762,215 of 792,854 alleles (96%); highest among the groups gnomAD compares: East Asian, 100%; 366,608 homozygotes.

Submission:

GeneDx
Classification: Benign. Last evaluated: 2018-06-14. Review status: criteria provided, single submitter. Criteria: GeneDx Variant Classification (06012015). Collection method: clinical testing. Allele origin: germline. Affected: yes.
Comment: This variant is considered likely benign or benign based on one or more of the following criteria: it is a conservative change, it occurs at a poorly conserved position in the protein, it is predicted to be benign by multiple in silico algorithms, and/or has population frequency not consistent with disease.